The following is an entry in ClinVar:

NM_000512.5(GALNS):c.509A>G (p.Tyr170Cys)

Gene: GALNS (galactosamine (N-acetyl)-6-sulfatase; minus strand). Cytogenetic location: 16q24.3.
Variant type: single nucleotide variant.
Coding change: c.509A>G on transcript NM_000512.5 (MANE Select); coding-DNA position 509, A replaced by G.
Protein change: p.Tyr170Cys; replaces tyrosine 170 with cysteine.
Molecular consequence: missense variant. On other transcripts: 5 prime UTR variant (1).
Genome position (GRCh38, 1-based): chr16:88,837,679, T>C on the plus strand (A>G on the coding strand, the complement: GALNS is on the minus strand). VCF-style: chr16-88837679-T-C. GRCh37 (hg19) VCF-style: chr16-88904087-T-C.
Other names: p.Tyr170Cys; c.-47A>G (NM_001323543.2); c.527A>G, p.Tyr176Cys (NM_001323544.2); short protein forms Y176C, Y170C.
Identifiers: ClinVar variation 4542101 (VCV004542101.2).

ClinVar aggregate classification (germline): Uncertain significance. Review status: criteria provided, multiple submitters, no conflicts (2 of 4 stars). 2 submissions from 2 submitters: Uncertain significance (2). Last evaluated 2025-11-27.

Submissions (2):

Mayo Clinic Laboratories, Mayo Clinic
Classification: Uncertain significance. Last evaluated: 2025-11-27. Review status: criteria provided, single submitter. Criteria: ACMG Guidelines, 2015. Collection method: clinical testing. Allele origin: germline. Observed: 1 variant allele.
Comment: PP3_moderate, PM2_supporting

Blueprint Genetics
Classification: Uncertain significance. Last evaluated: 2021-08-04. Review status: criteria provided, single submitter. Criteria: ACMG Guidelines, 2015. Collection method: clinical testing. Allele origin: germline.

Literature cited by the submitters: PubMed 34387910 (cited by Mayo Clinic Laboratories, Mayo Clinic).